The following is an entry in ClinVar:

ClinVar aggregate classification (germline): Pathogenic (1 of 4 stars; one submission).

Conditions:
Luscan-Lumish syndrome. Identifiers: Orphanet 597738, MedGen C4085873, MONDO:0014791, OMIM 616831.

Submission:

Victorian Clinical Genetics Services, Murdoch Childrens Research Institute
Classification: Pathogenic for Luscan-Lumish syndrome. Last evaluated: 2024-10-08. Review status: criteria provided, single submitter. Criteria: ACMG Guidelines, 2015. Collection method: clinical testing. Allele origin: germline. Inheritance: Autosomal dominant inheritance. Affected: yes.
Comment: Based on the classification scheme VCGS_Germline_v1.3.4, this variant is classified as Pathogenic. Following criteria are met: 0102 - Loss of function is a known mechanism of disease in this gene and is associated with Luscan-Lumish syndrome (MIM#616831, PMID: 27528607). However, the mechanisms for Rabin-Pappas syndrome (MIM#620155) and intellectual developmental disorder (MIM#620157) are currently unknown. (I) 0107 - This gene is associated with autosomal dominant disease. Luscan-Lumish syndrome has been associated with a wide mutational spectrum; while Rabin-Pappas syndrome and intellectual developmental disorder have been reported as being associated with only two variants, p.(Arg1740Trp) and p.(Arg1740Gln), respectively. (I) 0115 - Variants in this gene are known to have variable expressivity. The degree of intellectual disability and speech delay shows variability and cases have presented with and without obesity and overgrowth (PMID: 29681085). (I) 0201 - Variant is predicted to cause nonsense-mediated decay (NMD) and loss of protein (premature termination codon is located at least 54 nucleotides upstream of the final exon-exon junction). (SP) 0251 - This variant is heterozygous. (I) 0301 - Variant is absent from gnomAD (both v2 and v3). (SP) 0701 - Other NMD-predicted variants comparable to the one identified in this case have very strong previous evidence for pathogenicity. Many NMD-predicted variants have previously been reported as pathogenic in individuals with Luscan-Lumish syndrome (DECIPHER). (SP) 0807 - This variant has no previous evidence of pathogenicity. (I) 0905 - No published segregation evidence has been identified for this variant. (I) 1007 - No published functional evidence has been identified for this variant. (SP) Legend: (SP) - Supporting pathogenic, (I) - Information, (SB) - Supporting benign

Literature cited by the submitters: PubMed 27528607; PubMed 29681085.

NM_014159.7(SETD2):c.6284dup (p.Asp2096fs)

Gene: SETD2 (SET domain containing 2, histone lysine methyltransferase; minus strand). Cytogenetic location: 3p21.31.
Variant type: Duplication.
Coding change: c.6284dup on transcript NM_014159.7 (MANE Select); coding-DNA position 6284, one base duplicated (C; older notation c.6284dupC).
Protein change: p.Asp2096fs; shifts the reading frame from aspartic acid 2096.
Molecular consequence: frameshift variant. On other transcripts: non-coding transcript variant (1).
Genome position (GRCh38, 1-based): chr3:47,062,172, G duplicated on the plus strand (C on the coding strand, the reverse complement: SETD2 is on the minus strand); the first of 2 consecutive G bases (chr3:47,062,172-47,062,173); duplicating either gives the same sequence. VCF-style (leftmost placement, unchanged base first): chr3-47062171-T-TG. GRCh37 (hg19) VCF-style: chr3-47103661-T-TG.
Other names: c.6152dup, p.Asp2052fs (NM_001349370.3); c.6284dupC (NM_014159.6); short protein forms D2052fs, D2096fs.
Identifiers: ClinVar variation 3377050 (VCV003377050.1).